The following is an entry in ClinVar:

NM_000541.5(SAG):c.820C>T (p.Pro274Ser)

Gene: SAG (S-antigen visual arrestin; plus strand). Cytogenetic location: 2q37.1.
Variant type: single nucleotide variant.
Coding change: c.820C>T on transcript NM_000541.5 (MANE Select); coding-DNA position 820, C replaced by T.
Protein change: p.Pro274Ser; replaces proline 274 with serine.
Molecular consequence: missense variant.
Genome position (GRCh38, 1-based): chr2:233,334,975, C>T. VCF-style: chr2-233334975-C-T. GRCh37 (hg19) VCF-style: chr2-234243621-C-T.
Other names: short protein forms P274S.
Identifiers: ClinVar variation 335070 (VCV000335070.14), dbSNP rs369789189, ClinGen allele CA2174557.

ClinVar aggregate classification (germline): Uncertain significance. Review status: criteria provided, multiple submitters, no conflicts (2 of 4 stars). 5 submissions from 4 submitters: Uncertain significance (5). Last evaluated 2025-06-25.

Conditions:
SAG-related disorder. Also called: SAG-related disorders; SAG-related condition.
Oguchi disease. Also called: Oguchi's disease. Identifiers: Orphanet 75382, MedGen C1306122, MONDO:0019152.
Retinitis pigmentosa (RP). Identifiers: Orphanet 791, MedGen C0035334, MeSH D012174, MONDO:0019200, OMIM 268000. Inheritance: Autosomal dominant, autosomal recessive and X linked inheritance.

Allele frequency attached by ClinVar (database versions not stated): gnomAD 0.00002 and 0.00005; TOPMed 0.00003; ExAC 0.00005; gnomAD exomes 0.00005 and 0.00006; ESP Exome Variant Server 0.00008.
gnomAD v4.1: 78 of 1,613,964 alleles (0.0048%); highest among the groups gnomAD compares: Middle Eastern, 0.066%; no homozygotes.

Submissions (5):

Labcorp Genetics (formerly Invitae), Labcorp
Classification: Uncertain significance. Last evaluated: 2025-06-25. Review status: criteria provided, single submitter. Criteria: Invitae Variant Classification Sherloc (09022015). Collection method: clinical testing. Allele origin: germline.
Comment: This sequence change replaces proline, which is neutral and non-polar, with serine, which is neutral and polar, at codon 274 of the SAG protein (p.Pro274Ser). This variant is present in population databases (rs369789189, gnomAD 0.01%). This variant has not been reported in the literature in individuals affected with SAG-related conditions. ClinVar contains an entry for this variant (Variation ID: 335070). Invitae Evidence Modeling of protein sequence and biophysical properties (such as structural, functional, and spatial information, amino acid conservation, physicochemical variation, residue mobility, and thermodynamic stability) indicates that this missense variant is not expected to disrupt SAG protein function with a negative predictive value of 80%. In summary, the available evidence is currently insufficient to determine the role of this variant in disease. Therefore, it has been classified as a Variant of Uncertain Significance.

PreventionGenetics, part of Exact Sciences
Classification: Uncertain significance for SAG-related condition. Last evaluated: 2025-05-28. Review status: criteria provided, single submitter. Criteria: ACMG Guidelines, 2015. Collection method: clinical testing. Allele origin: germline.
Comment: The SAG c.820C>T variant is predicted to result in the amino acid substitution p.Pro274Ser. To our knowledge, this variant has not been reported in the literature. This variant is reported in 0.0097% of alleles in individuals of European (Non-Finnish) descent in gnomAD. At this time, the clinical significance of this variant is uncertain due to the absence of conclusive functional and genetic evidence.

Blueprint Genetics
Classification: Uncertain significance. Last evaluated: 2024-05-30. Review status: criteria provided, single submitter. Criteria: ACMG Guidelines, 2015. Collection method: clinical testing. Allele origin: germline.

Illumina Laboratory Services, Illumina
Classification: Uncertain significance for Oguchi disease-1. Last evaluated: 2018-01-13. Review status: criteria provided, single submitter. Criteria: ICSL Variant Classification Criteria 13 December 2019. Collection method: clinical testing. Allele origin: germline.

Illumina Laboratory Services, Illumina
Classification: Uncertain significance for Retinitis pigmentosa. Last evaluated: 2018-01-13. Review status: criteria provided, single submitter. Criteria: ICSL Variant Classification Criteria 13 December 2019. Collection method: clinical testing. Allele origin: germline.